The following is an entry in ClinVar:

NC_000014.8:g.(?_88852163)_(88904766_?)dup

Gene: SPATA7 (spermatogenesis associated 7; plus strand). Cytogenetic location: 14q31.3.
Variant type: Duplication.
Identifiers: ClinVar variation 3243999 (VCV003243999.1).

ClinVar aggregate classification (germline): Uncertain significance (1 of 4 stars; one submission).

Conditions:
Leber congenital amaurosis 3 (LCA3). Also called: SPATA7-Related Retinitis Pigmentosa. Identifiers: MedGen C1858677, MONDO:0011415, OMIM 604232.

Submission:

Labcorp Genetics (formerly Invitae), Labcorp
Classification: Uncertain significance for Leber congenital amaurosis 3. Last evaluated: 2023-04-11. Review status: criteria provided, single submitter. Criteria: Invitae Variant Classification Sherloc (09022015). Collection method: clinical testing. Allele origin: unknown.
Comment: In summary, the available evidence is currently insufficient to determine the role of this variant in disease. Therefore, it has been classified as a Variant of Uncertain Significance. This variant has not been reported in the literature in individuals affected with SPATA7-related conditions. A copy number gain of the genomic region encompassing the full coding sequence of the SPATA7 gene has been identified. The boundaries of this event are unknown as they extend beyond the assayed region for this gene and therefore may encompass additional genes. As the precise location of this event is unknown, it may be in tandem or it may be located elsewhere in the genome.